The following is an entry in ClinVar:

NM_020778.5(ALPK3):c.2242A>G (p.Arg748Gly)

Gene: ALPK3 (alpha kinase 3; plus strand). Cytogenetic location: 15q25.3.
Variant type: single nucleotide variant.
Coding change: c.2242A>G on transcript NM_020778.5 (MANE Select); coding-DNA position 2242, A replaced by G.
Protein change: p.Arg748Gly; replaces arginine 748 with glycine.
Molecular consequence: missense variant.
Genome position (GRCh38, 1-based): chr15:84,856,980, A>G. VCF-style: chr15-84856980-A-G. GRCh37 (hg19) VCF-style: chr15-85400211-A-G.
Other names: c.2848A>G (NM_020778.4); short protein forms R748G.
Identifiers: ClinVar variation 1379735 (VCV001379735.8), dbSNP rs760584321, ClinGen allele CA7709373.

ClinVar aggregate classification (germline): Conflicting classifications of pathogenicity. Review status: criteria provided, conflicting classifications (1 of 4 stars). 2 submissions from 2 submitters: Uncertain significance (1); Likely benign (1). Last evaluated 2026-06-10.

Conditions:
Cardiovascular phenotype. Identifiers: MedGen CN230736.

Allele frequency attached by ClinVar (database versions not stated): gnomAD exomes 0.00003 and 0.00002; ExAC 0.00003; gnomAD 0.00001.
gnomAD v4.1: 25 of 1,613,910 alleles (0.0015%); highest among the groups gnomAD compares: East Asian, 0.047%; no homozygotes.

Submissions (2):

Ambry Genetics
Classification: Likely benign for Cardiovascular phenotype. Last evaluated: 2026-06-10. Review status: criteria provided, single submitter. Criteria: Ambry Variant Classification Scheme 2023. Collection method: clinical testing. Allele origin: germline.

Labcorp Genetics (formerly Invitae), Labcorp
Classification: Uncertain significance. Last evaluated: 2025-12-03. Review status: criteria provided, single submitter. Criteria: Invitae Variant Classification Sherloc (09022015). Collection method: clinical testing. Allele origin: germline.
Comment: This sequence change replaces arginine, which is basic and polar, with glycine, which is neutral and non-polar, at codon 950 of the ALPK3 protein (p.Arg950Gly). The frequency data for this variant in the population databases is considered unreliable, as metrics indicate poor data quality at this position in the gnomAD database. This variant has not been reported in the literature in individuals affected with ALPK3-related conditions. ClinVar contains an entry for this variant (Variation ID: 1379735). Invitae Evidence Modeling of protein sequence and biophysical properties (such as structural, functional, and spatial information, amino acid conservation, physicochemical variation, residue mobility, and thermodynamic stability) indicates that this missense variant is not expected to disrupt ALPK3 protein function with a negative predictive value of 80%. In summary, the available evidence is currently insufficient to determine the role of this variant in disease. Therefore, it has been classified as a Variant of Uncertain Significance.